The following is an entry in ClinVar:

NM_001374353.1(GLI2):c.881T>A (p.Val294Glu)

Gene: GLI2 (GLI family zinc finger 2; plus strand). Cytogenetic location: 2q14.2.
Variant type: single nucleotide variant.
Coding change: c.881T>A on transcript NM_001374353.1 (MANE Select); coding-DNA position 881, T replaced by A.
Protein change: p.Val294Glu; replaces valine 294 with glutamic acid.
Molecular consequence: missense variant.
Genome position (GRCh38, 1-based): chr2:120,970,428, T>A. VCF-style: chr2-120970428-T-A. GRCh37 (hg19) VCF-style: chr2-121728004-T-A.
Other names: c.881T>A, p.Val294Glu (NM_001371271.1, NM_005270.5); c.506T>A, p.Val169Glu (NM_001374354.1); short protein forms V169E, V294E.
Identifiers: ClinVar variation 3340701 (VCV003340701.1).

ClinVar aggregate classification (germline): Uncertain significance (1 of 4 stars; one submission).

Submission:

GeneDx
Classification: Uncertain significance. Last evaluated: 2023-10-09. Review status: criteria provided, single submitter. Criteria: GeneDx Variant Classification Process June 2021. Collection method: clinical testing. Allele origin: germline. Affected: yes.
Comment: Not observed at significant frequency in large population cohorts (gnomAD); In silico analysis supports that this missense variant has a deleterious effect on protein structure/function; Has not been previously published as pathogenic or benign to our knowledge